The following is an entry in ClinVar:

NM_001130987.2(DYSF):c.4859G>T (p.Arg1620Leu)

Gene: DYSF (dysferlin; plus strand). Cytogenetic location: 2p13.2.
Variant type: single nucleotide variant.
Coding change: c.4859G>T on transcript NM_001130987.2 (MANE Select); coding-DNA position 4859, G replaced by T.
Protein change: p.Arg1620Leu; replaces arginine 1620 with leucine.
Molecular consequence: missense variant.
Genome position (GRCh38, 1-based): chr2:71,658,981, G>T. VCF-style: chr2-71658981-G-T. GRCh37 (hg19) VCF-style: chr2-71886111-G-T.
Other names: c.4745G>T, p.Arg1582Leu (NM_001130455.2); c.4700G>T, p.Arg1567Leu (NM_001130976.2); c.4838G>T, p.Arg1613Leu (NM_001130982.2); c.4808G>T, p.Arg1603Leu (NM_001130983.2); c.4766G>T, p.Arg1589Leu (NM_001130984.2); c.4796G>T, p.Arg1599Leu (NM_001130985.2); c.4835G>T, p.Arg1612Leu (NM_001130979.2); c.4793G>T, p.Arg1598Leu (NM_001130980.2); and 5 more; short protein forms R1588L, R1567L, R1581L, R1582L, R1589L, R1603L, R1619L, R1620L.
Identifiers: ClinVar variation 2148695 (VCV002148695.1), dbSNP rs185596534, ClinGen allele CA347219814.

ClinVar aggregate classification (germline): Uncertain significance (1 of 4 stars; one submission).

Conditions:
Neuromuscular disease caused by qualitative or quantitative defects of dysferlin. Also called: Dysferlinopathy; Qualitative or quantitative defects of dysferlin. Identifiers: Orphanet 207073, MedGen C2931687, MONDO:0016145.

gnomAD v4.1: 1 of 1,614,106 alleles (0.000062%); highest among the groups gnomAD compares: Non-Finnish European, 0.000085%; no homozygotes.

Submission:

Labcorp Genetics (formerly Invitae), Labcorp
Classification: Uncertain significance for Neuromuscular disease caused by qualitative or quantitative defects of dysferlin. Last evaluated: 2022-05-15. Review status: criteria provided, single submitter. Criteria: Invitae Variant Classification Sherloc (09022015). Collection method: clinical testing. Allele origin: germline.
Comment: This sequence change replaces arginine, which is basic and polar, with leucine, which is neutral and non-polar, at codon 1581 of the DYSF protein (p.Arg1581Leu). This variant is not present in population databases (gnomAD no frequency). This variant has not been reported in the literature in individuals affected with DYSF-related conditions. Algorithms developed to predict the effect of missense changes on protein structure and function are either unavailable or do not agree on the potential impact of this missense change (SIFT: "Deleterious"; PolyPhen-2: "Probably Damaging"; Align-GVGD: "Class C0"). In summary, the available evidence is currently insufficient to determine the role of this variant in disease. Therefore, it has been classified as a Variant of Uncertain Significance.